The following is an entry in ClinVar:

ClinVar aggregate classification (germline): Uncertain significance (1 of 4 stars; one submission).

Conditions:
Hereditary sensory neuropathy-deafness-dementia syndrome. Also called: HSN IE; NEUROPATHY, HEREDITARY SENSORY, WITH HEARING LOSS AND DEMENTIA; Hereditary Sensory and Autonomic Neuropathy Type 1E (HSAN1E); Hereditary sensory neuropathy type IE. Identifiers: Orphanet 456318, MedGen C3279885, MONDO:0013584, OMIM 614116.

Allele frequency attached by ClinVar (database versions not stated): gnomAD exomes below 0.00001; ExAC 0.00001.
gnomAD v4.1: 2 of 1,614,052 alleles (0.00012%); highest among the groups gnomAD compares: Non-Finnish European, 0.00017%; no homozygotes.

Submission:

Labcorp Genetics (formerly Invitae), Labcorp
Classification: Uncertain significance for Hereditary sensory neuropathy-deafness-dementia syndrome. Last evaluated: 2018-08-01. Review status: criteria provided, single submitter. Criteria: Invitae Variant Classification Sherloc (09022015). Collection method: clinical testing. Allele origin: germline.
Comment: This sequence change replaces arginine with tryptophan at codon 705 of the DNMT1 protein (p.Arg705Trp). The arginine residue is highly conserved and there is a moderate physicochemical difference between arginine and tryptophan. This variant is present in population databases (rs766157757, ExAC 0.001%). This variant has not been reported in the literature in individuals with DNMT1-related disease. Algorithms developed to predict the effect of missense changes on protein structure and function are either unavailable or do not agree on the potential impact of this missense change (SIFT: "Deleterious"; PolyPhen-2: "Probably Damaging"; Align-GVGD: "Class C0"). In summary, the available evidence is currently insufficient to determine the role of this variant in disease. Therefore, it has been classified as a Variant of Uncertain Significance.

NM_001130823.3(DNMT1):c.2113C>T (p.Arg705Trp)

Gene: DNMT1 (DNA methyltransferase 1; minus strand). Cytogenetic location: 19p13.2.
Variant type: single nucleotide variant.
Coding change: c.2113C>T on transcript NM_001130823.3 (MANE Select); coding-DNA position 2113, C replaced by T.
Protein change: p.Arg705Trp; replaces arginine 705 with tryptophan.
Molecular consequence: missense variant.
Genome position (GRCh38, 1-based): chr19:10,151,754, G>A on the plus strand (C>T on the coding strand, the complement: DNMT1 is on the minus strand). VCF-style: chr19-10151754-G-A. GRCh37 (hg19) VCF-style: chr19-10262430-G-A.
Other names: c.2065C>T, p.Arg689Trp (NM_001318730.2, NM_001379.4); c.1750C>T, p.Arg584Trp (NM_001318731.2); c.2113C>T (LRG_362t1); short protein forms R705W, R584W, R689W.
Identifiers: ClinVar variation 583276 (VCV000583276.9), dbSNP rs766157757, ClinGen allele CA9188131.